The following is an entry in ClinVar:

ClinVar aggregate classification (germline): Likely benign. Review status: criteria provided, multiple submitters, no conflicts (2 of 4 stars). 6 submissions from 6 submitters: Likely benign (4). 2 of the submissions do not count toward it. Last evaluated 2026-07-01.

Conditions:
Inborn genetic diseases. Identifiers: MedGen C0950123, MeSH D030342.
Intellectual disability-microcephaly-strabismus-behavioral abnormalities syndrome. Also called: White-Sutton Syndrome. Identifiers: Orphanet 468678, MedGen C4225351, MONDO:0014606, OMIM 616364.
POGZ-related disorder. Also called: POGZ-related condition.
Autism spectrum disorder. Also called: Autism spectrum disorders. Identifiers: MedGen C1510586, MeSH D000067877, MONDO:0005258.

Allele frequency attached by ClinVar (database versions not stated): TOPMed 0.00002; gnomAD 0.00003; gnomAD exomes 0.00004 and 0.00006; ExAC 0.00006; 1000 Genomes Project 30x 0.00016; 1000 Genomes Project 0.00020.
gnomAD v4.1: 59 of 1,608,612 alleles (0.0037%); highest among the groups gnomAD compares: South Asian, 0.0077%; no homozygotes.

Submissions (6):

CeGaT Center for Human Genetics Tuebingen
Classification: Likely benign. Last evaluated: 2026-07-01. Review status: criteria provided, single submitter. Criteria: CeGaT Center For Human Genetics Tuebingen Variant Classification Criteria Version 2. Collection method: clinical testing. Allele origin: germline. Affected: yes. Observed: 1 variant allele.
Comment: POGZ: BP4

Ambry Genetics
Classification: Likely benign for Inborn genetic diseases. Last evaluated: 2023-09-26. Review status: criteria provided, single submitter. Criteria: Ambry Variant Classification Scheme 2023. Collection method: clinical testing. Allele origin: germline.

Department of Pathology and Laboratory Medicine, Sinai Health System
Classification: Likely benign for Intellectual disability-microcephaly-strabismus-behavioral abnormalities syndrome. Last evaluated: 2022-04-06. Review status: criteria provided, single submitter. Criteria: ACMG Guidelines, 2015. Collection method: research. Allele origin: germline.

GeneDx
Classification: Likely benign. Last evaluated: 2019-07-23. Review status: criteria provided, single submitter. Criteria: GeneDx Variant Classification Process June 2021. Collection method: clinical testing. Allele origin: germline. Affected: yes.

PreventionGenetics, part of Exact Sciences
Classification: Likely benign for POGZ-related condition. Last evaluated: 2024-02-19. Review status: no assertion criteria provided. Collection method: clinical testing. Allele origin: germline. Not counted in ClinVar's aggregate classification.
Comment: This variant is classified as likely benign based on ACMG/AMP sequence variant interpretation guidelines (Richards et al. 2015 PMID: 25741868, with internal and published modifications).

Center of Medical Genetics, Central South University
Classification: association for Autism spectrum disorder. Review status: no assertion criteria provided. Collection method: clinical testing. Allele origin: unknown. Affected: yes. Observed: 1 variant allele. Not counted in ClinVar's aggregate classification.

NM_015100.4(POGZ):c.1072A>G (p.Met358Val)

Gene: POGZ (pogo transposable element derived with ZNF domain; minus strand). Cytogenetic location: 1q21.3.
Variant type: single nucleotide variant.
Coding change: c.1072A>G on transcript NM_015100.4 (MANE Select); coding-DNA position 1072, A replaced by G.
Protein change: p.Met358Val; replaces methionine 358 with valine.
Molecular consequence: missense variant.
Genome position (GRCh38, 1-based): chr1:151,427,829, T>C on the plus strand (A>G on the coding strand, the complement: POGZ is on the minus strand). VCF-style: chr1-151427829-T-C. GRCh37 (hg19) VCF-style: chr1-151400305-T-C.
Other names: c.1045A>G, p.Met349Val (NM_001194937.2); c.886A>G, p.Met296Val (NM_001194938.2); c.787A>G, p.Met263Val (NM_145796.4); c.913A>G, p.Met305Val (NM_207171.2); short protein forms M358V, M263V, M305V, M296V, M349V.
Identifiers: ClinVar variation 560580 (VCV000560580.9), dbSNP rs574158925, ClinGen allele CA1091514.